The following is an entry in ClinVar:

ClinVar aggregate classification (germline): Uncertain significance (1 of 4 stars; one submission).

Allele frequency attached by ClinVar (database versions not stated): TOPMed below 0.00001; ExAC 0.00001; gnomAD 0.00001.
gnomAD v4.1: 8 of 1,607,436 alleles (0.0005%); highest among the groups gnomAD compares: East Asian, 0.018%; no homozygotes.

Submission:

Ambry Genetics
Classification: Uncertain significance. Last evaluated: 2024-01-08. Review status: criteria provided, single submitter. Criteria: Ambry Variant Classification Scheme 2023. Collection method: clinical testing. Allele origin: germline.
Comment: The p.C391S variant (also known as c.1171T>A), located in coding exon 11 of the RAD54L gene, results from a T to A substitution at nucleotide position 1171. The cysteine at codon 391 is replaced by serine, an amino acid with dissimilar properties. This amino acid position is conserved. In addition, this alteration is predicted to be deleterious by in silico analysis. Since supporting evidence is limited at this time, the clinical significance of this alteration remains unclear.

NM_003579.4(RAD54L):c.1171T>A (p.Cys391Ser)

Gene: RAD54L (RAD54 like; plus strand). Cytogenetic location: 1p34.1.
Variant type: single nucleotide variant.
Coding change: c.1171T>A on transcript NM_003579.4 (MANE Select); coding-DNA position 1171, T replaced by A.
Protein change: p.Cys391Ser; replaces cysteine 391 with serine.
Molecular consequence: missense variant.
Genome position (GRCh38, 1-based): chr1:46,272,467, T>A. VCF-style: chr1-46272467-T-A. GRCh37 (hg19) VCF-style: chr1-46738139-T-A.
Other names: c.1171T>A, p.Cys391Ser (NM_001142548.2); c.631T>A, p.Cys211Ser (NM_001370766.1); short protein forms C211S, C391S.
Identifiers: ClinVar variation 3223394 (VCV003223394.1), dbSNP rs778410707, ClinGen allele CA834525.